The following is an entry in ClinVar:

NM_015703.5(RRP7A):c.27C>T (p.Ala9=)

Genes: RRP7A (ribosomal RNA processing 7 homolog A; minus strand), LOC130067600 (ATAC-STARR-seq lymphoblastoid silent region 13828; plus strand). Cytogenetic location: 22q13.2.
Variant type: single nucleotide variant.
Coding change: c.27C>T on transcript NM_015703.5 (MANE Select); coding-DNA position 27, C replaced by T.
Protein change: p.Ala9=; no amino-acid change (alanine 9 retained).
Molecular consequence: synonymous variant.
Genome position (GRCh38, 1-based): chr22:42,519,760, G>A on the plus strand (C>T on the coding strand, the complement: RRP7A is on the minus strand). VCF-style: chr22-42519760-G-A. GRCh37 (hg19) VCF-style: chr22-42915766-G-A.
Identifiers: ClinVar variation 4534049 (VCV004534049.6).

ClinVar aggregate classification (germline): Likely benign (1 of 4 stars; one submission).

Submission:

CeGaT Center for Human Genetics Tuebingen
Classification: Likely benign. Last evaluated: 2025-10-01. Review status: criteria provided, single submitter. Criteria: CeGaT Center For Human Genetics Tuebingen Variant Classification Criteria Version 2. Collection method: clinical testing. Allele origin: germline. Affected: yes. Observed: 1 variant allele.
Comment: RRP7A: BP4, BP7